The following is an entry in ClinVar:

NM_000535.7(PMS2):c.988+9C>T

Gene: PMS2 (PMS1 homolog 2, mismatch repair system component; minus strand). Cytogenetic location: 7p22.1.
Variant type: single nucleotide variant.
Coding change: c.988+9C>T on transcript NM_000535.7 (MANE Select); 9 bases into the intron after coding-DNA position 988, C replaced by T.
Molecular consequence: intron variant.
Genome position (GRCh38, 1-based): chr7:5,991,964, G>A on the plus strand (C>T on the coding strand, the complement: PMS2 is on the minus strand). VCF-style: chr7-5991964-G-A. GRCh37 (hg19) VCF-style: chr7-6031595-G-A.
Other names: c.670+9C>T (NM_001322008.2, NM_001322007.2); c.583+9C>T (NM_001322010.2, NM_001322004.2, NM_001322003.2 and 2 more transcripts); c.415+9C>T (NM_001322013.2); c.55+9C>T (NM_001322012.2, NM_001322011.2); c.679+9C>T (NM_001322015.2); c.988+9C>T (NM_001322006.2, NM_001322014.2).
Identifiers: ClinVar variation 1609126 (VCV001609126.9), dbSNP rs1783785508, ClinGen allele CA1685241362.

ClinVar aggregate classification (germline): Likely benign. Review status: criteria provided, multiple submitters, no conflicts (2 of 4 stars). 2 submissions from 2 submitters: Likely benign (2). Last evaluated 2025-01-29.

Conditions:
Hereditary nonpolyposis colorectal neoplasms. Identifiers: MedGen C0009405, MeSH D003123.
Lynch syndrome 4 (LYNCH4). Also called: Colorectal cancer, hereditary nonpolyposis, type 4; Hereditary non-polyposis colorectal cancer, type 4. Identifiers: Orphanet 144, MedGen C1838333, MONDO:0013699, OMIM 614337. Disease mechanism: loss of function.

Submissions (2):

Myriad Genetics, Inc.
Classification: Likely benign for Lynch syndrome 4. Last evaluated: 2025-01-29. Review status: criteria provided, single submitter. Criteria: Myriad Autosomal Dominant, Autosomal Recessive and X-Linked Classification Criteria (2023). Collection method: clinical testing. Allele origin: unknown.
Comment: This variant is considered likely benign. This variant is intronic and is not expected to impact mRNA splicing.

Labcorp Genetics (formerly Invitae), Labcorp
Classification: Likely benign for Hereditary nonpolyposis colorectal neoplasms. Last evaluated: 2023-01-30. Review status: criteria provided, single submitter. Criteria: Invitae Variant Classification Sherloc (09022015). Collection method: clinical testing. Allele origin: germline.